The following is an entry in ClinVar:

NM_012120.3(CD2AP):c.1525C>T (p.His509Tyr)

Gene: CD2AP (CD2 associated protein; plus strand). Cytogenetic location: 6p12.3.
Variant type: single nucleotide variant.
Coding change: c.1525C>T on transcript NM_012120.3 (MANE Select); coding-DNA position 1525, C replaced by T.
Protein change: p.His509Tyr; replaces histidine 509 with tyrosine.
Molecular consequence: missense variant.
Genome position (GRCh38, 1-based): chr6:47,606,272, C>T. VCF-style: chr6-47606272-C-T. GRCh37 (hg19) VCF-style: chr6-47574008-C-T.
Other names: c.1525C>T (NM_012120.2); short protein forms H509Y.
Identifiers: ClinVar variation 3593696 (VCV003593696.2).

ClinVar aggregate classification (germline): Uncertain significance. Review status: criteria provided, multiple submitters, no conflicts (2 of 4 stars). 2 submissions from 2 submitters: Uncertain significance (2). Last evaluated 2024-12-04.

Conditions:
CD2AP-related disorder. Also called: CD2AP-related condition.
Focal segmental glomerulosclerosis 3, susceptibility to (FSGS3). Identifiers: Orphanet 656, MedGen C1842982, MONDO:0011917, OMIM 607832.

Submissions (2):

PreventionGenetics, part of Exact Sciences
Classification: Uncertain significance for CD2AP-related condition. Last evaluated: 2024-12-04. Review status: criteria provided, single submitter. Criteria: ACMG Guidelines, 2015. Collection method: clinical testing. Allele origin: germline.
Comment: The CD2AP c.1525C>T variant is predicted to result in the amino acid substitution p.His509Tyr. To our knowledge, this variant has not been reported in the literature or in a large population database (gnomAD), indicating this variant is rare. At this time, the clinical significance of this variant is uncertain due to the absence of conclusive functional and genetic evidence.

Fulgent Genetics
Classification: Uncertain significance for Focal segmental glomerulosclerosis 3, susceptibility to. Last evaluated: 2024-04-01. Review status: criteria provided, single submitter. Criteria: ACMG Guidelines, 2015. Collection method: clinical testing. Allele origin: germline.